The following is an entry in ClinVar:

ClinVar aggregate classification (germline): Uncertain significance (1 of 4 stars; one submission).

Submission:

Labcorp Genetics (formerly Invitae), Labcorp
Classification: Uncertain significance. Last evaluated: 2025-10-01. Review status: criteria provided, single submitter. Criteria: Invitae Variant Classification Sherloc (09022015). Collection method: clinical testing. Allele origin: germline.
Comment: This sequence change replaces lysine, which is basic and polar, with glutamic acid, which is acidic and polar, at codon 1096 of the ADNP protein (p.Lys1096Glu). This variant is not present in population databases (gnomAD no frequency). This variant has not been reported in the literature in individuals affected with ADNP-related conditions. ClinVar contains an entry for this variant (Variation ID: 3657930). An algorithm developed to predict the effect of missense changes on protein structure and function outputs the following: PolyPhen-2: "Benign". The glutamic acid amino acid residue is found in multiple mammalian species, which suggests that this missense change does not adversely affect protein function. In summary, the available evidence is currently insufficient to determine the role of this variant in disease. Therefore, it has been classified as a Variant of Uncertain Significance.

NM_001282531.3(ADNP):c.3286A>G (p.Lys1096Glu)

Gene: ADNP (activity dependent neuroprotector homeobox; minus strand). Cytogenetic location: 20q13.13.
Variant type: single nucleotide variant.
Coding change: c.3286A>G on transcript NM_001282531.3 (MANE Select); coding-DNA position 3286, A replaced by G.
Protein change: p.Lys1096Glu; replaces lysine 1096 with glutamic acid.
Molecular consequence: missense variant.
Genome position (GRCh38, 1-based): chr20:50,891,428, T>C on the plus strand (A>G on the coding strand, the complement: ADNP is on the minus strand). VCF-style: chr20-50891428-T-C. GRCh37 (hg19) VCF-style: chr20-49507965-T-C.
Other names: c.3286A>G, p.Lys1096Glu (NM_001282532.2, NM_001347511.2, NM_015339.5 and 1 more transcripts); short protein forms K1096E.
Identifiers: ClinVar variation 3657930 (VCV003657930.2).